The following is an entry in ClinVar:

ClinVar aggregate classification (germline): Benign/Likely benign. Review status: criteria provided, multiple submitters, no conflicts (2 of 4 stars). 6 submissions from 6 submitters: Benign (1); Likely benign (4). 1 of the submissions does not count toward it. Last evaluated 2026-01-19.

Conditions:
PLOD1-related disorder. Also called: PLOD1-related condition.
Ehlers-Danlos syndrome (EDS). Identifiers: Orphanet 98249, MedGen C0013720, MONDO:0020066.
Familial thoracic aortic aneurysm and aortic dissection (TAAD). Also called: Thoracic aortic aneurysms and dissections. Identifiers: Orphanet 91387, MedGen C4707243, MONDO:0019625.
Ehlers-Danlos syndrome, kyphoscoliotic type 1 (EDSKSCL1). Also called: PLOD1-Related Kyphoscoliotic Ehlers-Danlos Syndrome; Ehlers-Danlos syndrome, hydroxylysine-deficient; EHLERS-DANLOS SYNDROME, TYPE VIA; EHLERS-DANLOS SYNDROME, OCULAR-SCOLIOTIC TYPE. Identifiers: Orphanet 1900, MedGen C0268342, MONDO:0016002, OMIM 225400. Disease mechanism: loss of function.

Allele frequency attached by ClinVar (database versions not stated): TOPMed 0.00005; gnomAD 0.00006 and 0.00017; ESP Exome Variant Server 0.00008; gnomAD exomes 0.00030 and 0.00059; ExAC 0.00063; 1000 Genomes Project 30x 0.00078; 1000 Genomes Project 0.00100.
gnomAD v4.1: 455 of 1,614,176 alleles (0.028%); highest among the groups gnomAD compares: South Asian, 0.47%; 5 homozygotes.

Submissions (6):

Labcorp Genetics (formerly Invitae), Labcorp
Classification: Benign for Ehlers-Danlos syndrome, kyphoscoliotic type 1. Last evaluated: 2026-01-19. Review status: criteria provided, single submitter. Criteria: Invitae Variant Classification Sherloc (09022015). Collection method: clinical testing. Allele origin: germline.

Blueprint Genetics
Classification: Likely benign. Last evaluated: 2024-08-12. Review status: criteria provided, single submitter. Criteria: ACMG Guidelines, 2015. Collection method: clinical testing. Allele origin: germline.

Genome Diagnostics Laboratory, The Hospital for Sick Children
Classification: Likely benign for Ehlers-Danlos syndrome. Last evaluated: 2021-11-03. Review status: criteria provided, single submitter. Criteria: ACMG Guidelines, 2015. Collection method: clinical testing. Allele origin: germline.

GeneDx
Classification: Likely benign. Last evaluated: 2017-09-28. Review status: criteria provided, single submitter. Criteria: GeneDx Variant Classification (06012015). Collection method: clinical testing. Allele origin: germline. Affected: yes.
Comment: This variant is considered likely benign or benign based on one or more of the following criteria: it is a conservative change, it occurs at a poorly conserved position in the protein, it is predicted to be benign by multiple in silico algorithms, and/or has population frequency not consistent with disease.

Ambry Genetics
Classification: Likely benign for Familial thoracic aortic aneurysm and aortic dissection. Last evaluated: 2015-03-25. Review status: criteria provided, single submitter. Criteria: Ambry Variant Classification Scheme 2023. Collection method: clinical testing. Allele origin: germline.

PreventionGenetics, part of Exact Sciences
Classification: Likely benign for PLOD1-related condition. Last evaluated: 2019-08-02. Review status: no assertion criteria provided. Collection method: clinical testing. Allele origin: germline. Not counted in ClinVar's aggregate classification.
Comment: This variant is classified as likely benign based on ACMG/AMP sequence variant interpretation guidelines (Richards et al. 2015 PMID: 25741868, with internal and published modifications).

NM_000302.4(PLOD1):c.936C>T (p.His312=)

Gene: PLOD1 (procollagen-lysine,2-oxoglutarate 5-dioxygenase 1; plus strand). Cytogenetic location: 1p36.22.
Variant type: single nucleotide variant.
Coding change: c.936C>T on transcript NM_000302.4 (MANE Select); coding-DNA position 936, C replaced by T.
Protein change: p.His312=; no amino-acid change (histidine 312 retained).
Molecular consequence: synonymous variant.
Genome position (GRCh38, 1-based): chr1:11,958,608, C>T. VCF-style: chr1-11958608-C-T. GRCh37 (hg19) VCF-style: chr1-12018665-C-T.
Other names: c.1077C>T, p.His359= (NM_001316320.2).
Identifiers: ClinVar variation 263947 (VCV000263947.20), dbSNP rs374787907, ClinGen allele CA598200.
Genomic context (GRCh38, chr1:11,958,608, plus strand): 5'-GTTCATCGAACAGCCCACGCCGTTTGTGTCCCTGTTCTTCCAGCGGCTCCTGCGGCTCCA[C>T]TACCCCCAGAAACACATGCGACTTTTCATCCACAACCACGTGAGTAACAGGCGCTCTGTG-3'
Protein context (NP_000293.2, residues 302-322): SLFFQRLLRL[His312=]YPQKHMRLFI